The following is an entry in ClinVar:

NM_000246.4(CIITA):c.2714C>A (p.Thr905Asn)

Gene: CIITA (class II major histocompatibility complex transactivator; plus strand). Cytogenetic location: 16p13.13.
Variant type: single nucleotide variant.
Coding change: c.2714C>A on transcript NM_000246.4 (MANE Select); coding-DNA position 2714, C replaced by A.
Protein change: p.Thr905Asn; replaces threonine 905 with asparagine.
Molecular consequence: missense variant.
Genome position (GRCh38, 1-based): chr16:10,909,085, C>A. VCF-style: chr16-10909085-C-A. GRCh37 (hg19) VCF-style: chr16-11002942-C-A.
Other names: c.2717C>A, p.Thr906Asn (NM_001286402.1, NM_001379332.1); c.962C>A, p.Thr321Asn (NM_001286403.2); c.2570C>A, p.Thr857Asn (NM_001379330.1); c.2567C>A, p.Thr856Asn (NM_001379331.1); c.2714C>A, p.Thr905Asn (NM_001379333.1); c.2645C>A, p.Thr882Asn (NM_001379334.1); short protein forms T906N, T856N, T882N, T905N, T321N, T857N.
Identifiers: ClinVar variation 2007712 (VCV002007712.4), dbSNP rs1023712450, ClinGen allele CA394734844.

ClinVar aggregate classification (germline): Uncertain significance (1 of 4 stars; one submission).

Conditions:
MHC class II deficiency. Also called: Bare lymphocyte syndrome 2; BLS, TYPE II. Identifiers: Orphanet 572, MedGen C5447452, MONDO:0008855.

gnomAD v4.1: 1 of 1,614,098 alleles (0.000062%); highest among the groups gnomAD compares: South Asian, 0.0011%; no homozygotes.

Submission:

Labcorp Genetics (formerly Invitae), Labcorp
Classification: Uncertain significance for MHC class II deficiency. Last evaluated: 2022-06-17. Review status: criteria provided, single submitter. Criteria: Invitae Variant Classification Sherloc (09022015). Collection method: clinical testing. Allele origin: germline.
Comment: This variant is not present in population databases (gnomAD no frequency). In summary, the available evidence is currently insufficient to determine the role of this variant in disease. Therefore, it has been classified as a Variant of Uncertain Significance. Algorithms developed to predict the effect of missense changes on protein structure and function (SIFT, PolyPhen-2, Align-GVGD) all suggest that this variant is likely to be tolerated. This variant has not been reported in the literature in individuals affected with CIITA-related conditions. This sequence change replaces threonine, which is neutral and polar, with asparagine, which is neutral and polar, at codon 905 of the CIITA protein (p.Thr905Asn).